The following is an entry in ClinVar:

NM_012318.3(LETM1):c.518T>C (p.Ile173Thr)

Gene: LETM1 (leucine zipper and EF-hand containing transmembrane protein 1; minus strand). Cytogenetic location: 4p16.3.
Variant type: single nucleotide variant.
Coding change: c.518T>C on transcript NM_012318.3 (MANE Select); coding-DNA position 518, T replaced by C.
Protein change: p.Ile173Thr; replaces isoleucine 173 with threonine.
Molecular consequence: missense variant.
Genome position (GRCh38, 1-based): chr4:1,841,423, A>G on the plus strand (T>C on the coding strand, the complement: LETM1 is on the minus strand). VCF-style: chr4-1841423-A-G. GRCh37 (hg19) VCF-style: chr4-1843150-A-G.
Other names: short protein forms I173T.
Identifiers: ClinVar variation 3683165 (VCV003683165.2).

ClinVar aggregate classification (germline): Uncertain significance (1 of 4 stars; one submission).

Submission:

Labcorp Genetics (formerly Invitae), Labcorp
Classification: Uncertain significance. Last evaluated: 2024-09-02. Review status: criteria provided, single submitter. Criteria: Invitae Variant Classification Sherloc (09022015). Collection method: clinical testing. Allele origin: germline.
Comment: This sequence change replaces isoleucine, which is neutral and non-polar, with threonine, which is neutral and polar, at codon 173 of the LETM1 protein (p.Ile173Thr). This variant is not present in population databases (gnomAD no frequency). This variant has not been reported in the literature in individuals affected with LETM1-related conditions. An algorithm developed to predict the effect of missense changes on protein structure and function (PolyPhen-2) suggests that this variant is likely to be disruptive. In summary, the available evidence is currently insufficient to determine the role of this variant in disease. Therefore, it has been classified as a Variant of Uncertain Significance.